The following is an entry in ClinVar:

NM_152328.5(ADSS1):c.193-4916C>T

Gene: ADSS1 (adenylosuccinate synthase 1; plus strand). Cytogenetic location: 14q32.33.
Variant type: single nucleotide variant.
Coding change: c.193-4916C>T on transcript NM_152328.5 (MANE Select); 4916 bases into the intron before coding-DNA position 193, C replaced by T.
Molecular consequence: intron variant. On other transcripts: 5 prime UTR variant (1), missense variant (1).
Genome position (GRCh38, 1-based): chr14:104,730,104, C>T. VCF-style: chr14-104730104-C-T. GRCh37 (hg19) VCF-style: chr14-105196441-C-T.
Other names: c.-516C>T (NM_001320424.1); c.212C>T, p.Thr71Met (NM_199165.2); c.212C>T (NM_199165.1); short protein forms T71M.
Identifiers: ClinVar variation 1944911 (VCV001944911.6), dbSNP rs1408686711, ClinGen allele CA391232954.
Genomic context (GRCh38, chr14:104,730,104, plus strand): 5'-CCGTGCCAGCTCAGCCCACCCCTCACCTTCCCAGTGCCTGTGGAGGCCCAACTAGGGTGA[C>T]GCTGGGAGAGGAGAGGGCTTGGAGGAGCCACGGGTCAAATGCAGGAGGCCACACCTGCCT-3'

ClinVar aggregate classification (germline): Uncertain significance. Review status: criteria provided, multiple submitters, no conflicts (2 of 4 stars). 2 submissions from 2 submitters: Uncertain significance (2). Last evaluated 2024-10-01.

Conditions:
Inborn genetic diseases. Identifiers: MedGen C0950123, MeSH D030342.

Allele frequency attached by ClinVar (database versions not stated): gnomAD exomes below 0.00001; TOPMed below 0.00001; gnomAD 0.00001.
gnomAD v4.1: 3 of 1,550,628 alleles (0.00019%); highest among the groups gnomAD compares: Non-Finnish European, 0.00017%; no homozygotes.

Submissions (2):

Ambry Genetics
Classification: Uncertain significance for Inborn genetic diseases. Last evaluated: 2024-10-01. Review status: criteria provided, single submitter. Criteria: Ambry Variant Classification Scheme 2023. Collection method: clinical testing. Allele origin: germline.

Labcorp Genetics (formerly Invitae), Labcorp
Classification: Uncertain significance. Last evaluated: 2021-12-21. Review status: criteria provided, single submitter. Criteria: Invitae Variant Classification Sherloc (09022015). Collection method: clinical testing. Allele origin: germline.
Comment: This sequence change replaces threonine, which is neutral and polar, with methionine, which is neutral and non-polar, at codon 71 of the ADSSL1 protein (p.Thr71Met). In summary, the available evidence is currently insufficient to determine the role of this variant in disease. Therefore, it has been classified as a Variant of Uncertain Significance. Algorithms developed to predict the effect of missense changes on protein structure and function are either unavailable or do not agree on the potential impact of this missense change (SIFT: "Not Available"; PolyPhen-2: "Benign"; Align-GVGD: "Not Available"). This variant has not been reported in the literature in individuals affected with ADSSL1-related conditions. This variant is not present in population databases (gnomAD no frequency).